The following is an entry in ClinVar:

NM_001035.3(RYR2):c.*715_*716del

Gene: RYR2 (ryanodine receptor 2; plus strand). Cytogenetic location: 1q43.
Variant type: Deletion.
Coding change: c.*715_*716del on transcript NM_001035.3 (MANE Select); 715 bases downstream of the stop codon through 716 bases downstream of the stop codon, 2 bases deleted (CC; older notation c.*715_*716delCC).
Molecular consequence: 3 prime UTR variant.
Genome position (GRCh38, 1-based): chr1:237,833,362-237,833,363, CC deleted; deleting any 2 consecutive bases within chr1:237,833,352-237,833,363 gives the same sequence; the c. name uses the placement nearest the transcript's 3' end. VCF-style (leftmost placement, unchanged base first): chr1-237833351-GCC-G. GRCh37 (hg19) VCF-style: chr1-237996651-GCC-G.
Identifiers: ClinVar variation 1879122 (VCV001879122.29), dbSNP rs397983403, ClinGen allele CA39835549.

ClinVar aggregate classification (germline): Likely benign (1 of 4 stars; one submission).

Submission:

CeGaT Center for Human Genetics Tuebingen
Classification: Likely benign. Last evaluated: 2022-12-01. Review status: criteria provided, single submitter. Criteria: CeGaT Center For Human Genetics Tuebingen Variant Classification Criteria Version 2. Collection method: clinical testing. Allele origin: germline. Affected: yes. Observed: 1 variant allele.
Comment: RYR2: BS1